The following is an entry in ClinVar:

ClinVar aggregate classification (germline): Likely benign. Review status: criteria provided, single submitter (1 of 4 stars). 2 submissions from 2 submitters: Likely benign (1). 1 of the submissions does not count toward it. Last evaluated 2025-10-23.

Conditions:
LRP5-related disorder. Also called: LRP5-related condition.

Allele frequency attached by ClinVar (database versions not stated): gnomAD 0.00001; gnomAD exomes 0.00002; ExAC 0.00005.
gnomAD v4.1: 30 of 1,613,896 alleles (0.0019%); highest among the groups gnomAD compares: South Asian, 0.023%; no homozygotes.

Submissions (2):

Labcorp Genetics (formerly Invitae), Labcorp
Classification: Likely benign. Last evaluated: 2025-10-23. Review status: criteria provided, single submitter. Criteria: Invitae Variant Classification Sherloc (09022015). Collection method: clinical testing. Allele origin: germline.

PreventionGenetics, part of Exact Sciences
Classification: Likely benign for LRP5-related condition. Last evaluated: 2020-01-28. Review status: no assertion criteria provided. Collection method: clinical testing. Allele origin: germline. Not counted in ClinVar's aggregate classification.
Comment: This variant is classified as likely benign based on ACMG/AMP sequence variant interpretation guidelines (Richards et al. 2015 PMID: 25741868, with internal and published modifications).

NM_002335.4(LRP5):c.1802-8G>A

Gene: LRP5 (LDL receptor related protein 5; plus strand). Cytogenetic location: 11q13.2.
Variant type: single nucleotide variant.
Coding change: c.1802-8G>A on transcript NM_002335.4 (MANE Select); 8 bases into the intron before coding-DNA position 1802, G replaced by A.
Molecular consequence: intron variant.
Genome position (GRCh38, 1-based): chr11:68,406,516, G>A. VCF-style: chr11-68406516-G-A. GRCh37 (hg19) VCF-style: chr11-68173984-G-A.
Other names: c.1802-8G>A (NM_002335.3); c.59-8G>A (NM_001291902.2).
Identifiers: ClinVar variation 3019605 (VCV003019605.5), dbSNP rs763059889, ClinGen allele CA6149458.